The following is an entry in ClinVar:

NM_003890.3(FCGBP):c.11310C>T (p.Tyr3770=)

Gene: FCGBP (Fc gamma binding protein; minus strand). Cytogenetic location: 19q13.2.
Variant type: single nucleotide variant.
Coding change: c.11310C>T on transcript NM_003890.3 (MANE Select); coding-DNA position 11310, C replaced by T.
Protein change: p.Tyr3770=; no amino-acid change (tyrosine 3770 retained).
Molecular consequence: synonymous variant.
Genome position (GRCh38, 1-based): chr19:39,886,472, G>A on the plus strand (C>T on the coding strand, the complement: FCGBP is on the minus strand). VCF-style: chr19-39886472-G-A. GRCh37 (hg19) VCF-style: chr19-40377112-G-A.
Identifiers: ClinVar variation 2649847 (VCV002649847.24), dbSNP rs762849852, ClinGen allele CA308313875.

ClinVar aggregate classification (germline): Likely benign (1 of 4 stars; one submission).

Allele frequency attached by ClinVar (database versions not stated): ExAC 0.00020; 1000 Genomes Project 30x 0.00047.

Submission:

CeGaT Center for Human Genetics Tuebingen
Classification: Likely benign. Last evaluated: 2022-08-01. Review status: criteria provided, single submitter. Criteria: CeGaT Center For Human Genetics Tuebingen Variant Classification Criteria Version 2. Collection method: clinical testing. Allele origin: germline. Affected: yes. Observed: 1 variant allele.
Comment: FCGBP: BP4, BP7